The following is an entry in ClinVar:

NM_032603.5(LOXL3):c.2045C>T (p.Thr682Met)

Gene: LOXL3 (lysyl oxidase like 3; minus strand). Cytogenetic location: 2p13.1.
Variant type: single nucleotide variant.
Coding change: c.2045C>T on transcript NM_032603.5 (MANE Select); coding-DNA position 2045, C replaced by T.
Protein change: p.Thr682Met; replaces threonine 682 with methionine.
Molecular consequence: missense variant.
Genome position (GRCh38, 1-based): chr2:74,534,131, G>A on the plus strand (C>T on the coding strand, the complement: LOXL3 is on the minus strand). VCF-style: chr2-74534131-G-A. GRCh37 (hg19) VCF-style: chr2-74761258-G-A.
Other names: c.1610C>T, p.Thr537Met (NM_001289164.3); c.962C>T, p.Thr321Met (NM_001289165.2); short protein forms T321M, T537M, T682M.
Identifiers: ClinVar variation 1449241 (VCV001449241.5), dbSNP rs765545235, ClinGen allele CA1728728.
Genomic context (GRCh38, chr2:74,534,131, plus strand): 5'-CCCATCTGGAAGCCCCAGACTCCAGGTACCTGGAGAATGTAGTTTCCTGGCTTCACATCC[G>A]TGATGTCAATCCACTGACAGTCAATGTCATGCCGGTAGAGATCCCAGCAACCCACAGTGA-3'
Protein context (NP_115992.1, residues 672-692): HDIDCQWIDI[Thr682Met]DVKPGNYILQ

ClinVar aggregate classification (germline): Uncertain significance (1 of 4 stars; one submission).

Allele frequency attached by ClinVar (database versions not stated): gnomAD exomes 0.00001; TOPMed 0.00001; ExAC 0.00002.
gnomAD v4.1: 12 of 1,614,118 alleles (0.00074%); highest among the groups gnomAD compares: Admixed American, 0.0017%; no homozygotes.

Submission:

Labcorp Genetics (formerly Invitae), Labcorp
Classification: Uncertain significance. Last evaluated: 2022-03-31. Review status: criteria provided, single submitter. Criteria: Invitae Variant Classification Sherloc (09022015). Collection method: clinical testing. Allele origin: germline.
Comment: This sequence change replaces threonine, which is neutral and polar, with methionine, which is neutral and non-polar, at codon 682 of the LOXL3 protein (p.Thr682Met). This variant is present in population databases (rs765545235, gnomAD 0.003%). This variant has not been reported in the literature in individuals affected with LOXL3-related conditions. Algorithms developed to predict the effect of missense changes on protein structure and function are either unavailable or do not agree on the potential impact of this missense change (SIFT: "Deleterious"; PolyPhen-2: "Probably Damaging"; Align-GVGD: "Class C0"). In summary, the available evidence is currently insufficient to determine the role of this variant in disease. Therefore, it has been classified as a Variant of Uncertain Significance.